The following is an entry in ClinVar:

NM_017617.5(NOTCH1):c.5524C>T (p.Gln1842Ter)

Gene: NOTCH1 (notch receptor 1; minus strand). Cytogenetic location: 9q34.3.
Variant type: single nucleotide variant.
Coding change: c.5524C>T on transcript NM_017617.5 (MANE Select); coding-DNA position 5524, C replaced by T.
Protein change: p.Gln1842Ter; replaces glutamine 1842 with a stop codon.
Molecular consequence: nonsense.
Genome position (GRCh38, 1-based): chr9:136,501,862, G>A on the plus strand (C>T on the coding strand, the complement: NOTCH1 is on the minus strand). VCF-style: chr9-136501862-G-A. GRCh37 (hg19) VCF-style: chr9-139396314-G-A.
Other names: short protein forms Q1842*.
Identifiers: ClinVar variation 3723115 (VCV003723115.2).

ClinVar aggregate classification (germline): Pathogenic (1 of 4 stars; one submission).

Conditions:
Adams-Oliver syndrome 5 (AOS5). Identifiers: Orphanet 974, MedGen C4014970, MONDO:0014459, OMIM 616028.

Submission:

Labcorp Genetics (formerly Invitae), Labcorp
Classification: Pathogenic for Adams-Oliver syndrome 5. Last evaluated: 2024-10-22. Review status: criteria provided, single submitter. Criteria: Invitae Variant Classification Sherloc (09022015). Collection method: clinical testing. Allele origin: germline.
Comment: This sequence change creates a premature translational stop signal (p.Gln1842*) in the NOTCH1 gene. It is expected to result in an absent or disrupted protein product. Loss-of-function variants in NOTCH1 are known to be pathogenic (PMID: 16025100, 21457232, 25132448, 25963545, 32720365, 33630301). This variant is not present in population databases (gnomAD no frequency). This variant has not been reported in the literature in individuals affected with NOTCH1-related conditions. For these reasons, this variant has been classified as Pathogenic.

Literature cited by the submitters: PubMed 16025100; PubMed 21457232; PubMed 25132448; PubMed 25963545; PubMed 32720365; PubMed 33630301.